The following is an entry in ClinVar:

ClinVar aggregate classification (germline): Conflicting classifications of pathogenicity. Review status: criteria provided, conflicting classifications (1 of 4 stars). 5 submissions from 5 submitters: Uncertain significance (2); Benign (1); Likely benign (2). Last evaluated 2026-01-11.

Conditions:
Hereditary spherocytosis type 5. Also called: EPB42-Related Spherocytosis; EPB42-Related Hereditary Spherocytosis. Identifiers: Orphanet 822, MedGen C2675192, MONDO:0012985, OMIM 612690.

Allele frequency attached by ClinVar (database versions not stated): gnomAD exomes 0.00130; ExAC 0.00178; gnomAD 0.00576 and 0.00619; TOPMed 0.00611; 1000 Genomes Project 0.00659; 1000 Genomes Project 30x 0.00687; ESP Exome Variant Server 0.00731.
gnomAD v4.1: 1,656 of 1,614,102 alleles (0.1%); highest among the groups gnomAD compares: African/African-American, 2%; 20 homozygotes.

Submissions (5):

Labcorp Genetics (formerly Invitae), Labcorp
Classification: Benign. Last evaluated: 2026-01-11. Review status: criteria provided, single submitter. Criteria: Invitae Variant Classification Sherloc (09022015). Collection method: clinical testing. Allele origin: germline.

Mayo Clinic Laboratories, Mayo Clinic
Classification: Likely benign. Last evaluated: 2025-07-23. Review status: criteria provided, single submitter. Criteria: ACMG Guidelines, 2015. Collection method: clinical testing. Allele origin: germline. Observed: 19 variant alleles.
Comment: BS2, BP4

ARUP Laboratories, Molecular Genetics and Genomics, ARUP Laboratories
Classification: Likely benign for Hereditary spherocytosis type 5. Last evaluated: 2024-10-24. Review status: criteria provided, single submitter. Criteria: ARUP Molecular Germline Variant Investigation Process 2024. Collection method: clinical testing. Allele origin: germline.

Illumina Laboratory Services, Illumina
Classification: Uncertain significance for Hereditary spherocytosis type 5. Last evaluated: 2018-01-12. Review status: criteria provided, single submitter. Criteria: ICSL Variant Classification Criteria 13 December 2019. Collection method: clinical testing. Allele origin: germline.

Breakthrough Genomics
Classification: Uncertain significance. Review status: criteria provided, single submitter. Criteria: ACMG Guidelines, 2015. Collection method: not provided. Allele origin: germline. Inheritance: Unknown mechanism. Affected: yes.

NM_001114134.2(EPB42):c.1767C>A (p.His589Gln)

Gene: EPB42 (erythrocyte membrane protein band 4.2; minus strand). Cytogenetic location: 15q15.2.
Variant type: single nucleotide variant.
Coding change: c.1767C>A on transcript NM_001114134.2 (MANE Select); coding-DNA position 1767, C replaced by A.
Protein change: p.His589Gln; replaces histidine 589 with glutamine.
Molecular consequence: missense variant.
Genome position (GRCh38, 1-based): chr15:43,203,127, G>T on the plus strand (C>A on the coding strand, the complement: EPB42 is on the minus strand). VCF-style: chr15-43203127-G-T. GRCh37 (hg19) VCF-style: chr15-43495325-G-T.
Other names: c.1857C>A, p.His619Gln (NM_000119.3); short protein forms H619Q, H589Q.
Identifiers: ClinVar variation 316009 (VCV000316009.19), dbSNP rs114354377, ClinGen allele CA7520229.